The following is an entry in ClinVar:

NM_001035.3(RYR2):c.3978C>G (p.Gly1326=)

Genes: RYR2 (ryanodine receptor 2; plus strand), LOC126806067 (BRD4-independent group 4 enhancer GRCh37_chr1:237753258-237754457; plus strand). Cytogenetic location: 1q43.
Variant type: single nucleotide variant.
Coding change: c.3978C>G on transcript NM_001035.3 (MANE Select); coding-DNA position 3978, C replaced by G.
Protein change: p.Gly1326=; no amino-acid change (glycine 1326 retained).
Molecular consequence: synonymous variant.
Genome position (GRCh38, 1-based): chr1:237,590,810, C>G. VCF-style: chr1-237590810-C-G. GRCh37 (hg19) VCF-style: chr1-237754110-C-G.
Identifiers: ClinVar variation 227918 (VCV000227918.19), dbSNP rs745839967, ClinGen allele CA086512.

ClinVar aggregate classification (germline): Likely benign. Review status: criteria provided, multiple submitters, no conflicts (2 of 4 stars). 5 submissions from 5 submitters: Likely benign (5). Last evaluated 2026-01-31.

Conditions:
Cardiovascular phenotype. Identifiers: MedGen CN230736.
Catecholaminergic polymorphic ventricular tachycardia (CVPT). Also called: Catecholamine-induced polymorphic ventricular tachycardia. Identifiers: Orphanet 3286, MedGen C5574922, MONDO:0017990.
Catecholaminergic polymorphic ventricular tachycardia 1. Also called: VENTRICULAR TACHYCARDIA, STRESS-INDUCED POLYMORPHIC 1; VENTRICULAR TACHYCARDIA, CATECHOLAMINERGIC POLYMORPHIC, 1, WITH OR WITHOUT ATRIAL DYSFUNCTION AND/OR DILATED CARDIOMYOPATHY; RYR2-Related Catecholaminergic Polymorphic Ventricular Tachycardia. Identifiers: Orphanet 3286, MedGen C1631597, MONDO:0011484, OMIM 604772.
Cardiomyopathy (CMYO). Also called: Cardiomyopathies. Identifiers: Orphanet 167848, MedGen C0878544, MONDO:0004994, HP:0001638. Inheritance: Various modes of inheritance.

Allele frequency attached by ClinVar (database versions not stated): ExAC 0.00002; gnomAD exomes 0.00002; TOPMed 0.00002.
gnomAD v4.1: 30 of 1,613,658 alleles (0.0019%); highest among the groups gnomAD compares: Non-Finnish European, 0.0024%; no homozygotes.

Submissions (5):

Labcorp Genetics (formerly Invitae), Labcorp
Classification: Likely benign for Catecholaminergic polymorphic ventricular tachycardia 1. Last evaluated: 2026-01-31. Review status: criteria provided, single submitter. Criteria: Invitae Variant Classification Sherloc (09022015). Collection method: clinical testing. Allele origin: germline.

All of Us Research Program, National Institutes of Health
Classification: Likely benign for Catecholaminergic polymorphic ventricular tachycardia. Last evaluated: 2023-12-13. Review status: criteria provided, single submitter. Criteria: ACMG Guidelines, 2015. Collection method: clinical testing. Allele origin: germline. Inheritance: Autosomal dominant inheritance. Observed: 7 variant alleles, 7 heterozygotes.
Comment: This study involves interpretation of variants in research participants for the purpose of population health screening. Participant phenotype was not available at the time of variant classification. Additional details can be found in publication PMID: 35346344, PMCID: PMC8962531

Color Diagnostics, LLC DBA Color Health
Classification: Likely benign for Cardiomyopathy. Last evaluated: 2021-09-15. Review status: criteria provided, single submitter. Criteria: ACMG Guidelines, 2015. Collection method: clinical testing. Allele origin: germline.

Ambry Genetics
Classification: Likely benign for Cardiovascular phenotype. Last evaluated: 2019-12-30. Review status: criteria provided, single submitter. Criteria: Ambry Variant Classification Scheme 2023. Collection method: clinical testing. Allele origin: germline.

Laboratory for Molecular Medicine, Mass General Brigham Personalized Medicine
Classification: Likely benign. Last evaluated: 2012-03-19. Review status: criteria provided, single submitter. Criteria: LMM Criteria. Collection method: clinical testing. Allele origin: germline. Observed: 1 variant allele.
Comment: p.Gly1326Gly in Exon 31 of RYR2: This variant is not expected to have clinical s ignificance because it does not alter an amino acid residue, is not located with in the splice consensus sequence. It has been identified in 1/6668 European Amer ican chromosomes from a broad population by the NHLBI Exome Sequencing Project.